The following is an entry in ClinVar:

ClinVar aggregate classification (germline): Uncertain significance (1 of 4 stars; one submission).

Conditions:
Inborn genetic diseases. Identifiers: MedGen C0950123, MeSH D030342.

Submission:

Ambry Genetics
Classification: Uncertain significance for Inborn genetic diseases. Last evaluated: 2024-12-12. Review status: criteria provided, single submitter. Criteria: Ambry Variant Classification Scheme 2023. Collection method: clinical testing. Allele origin: germline.
Comment: The p.S344N variant (also known as c.1031G>A), located in coding exon 8 of the FANCG gene, results from a G to A substitution at nucleotide position 1031. The serine at codon 344 is replaced by asparagine, an amino acid with highly similar properties. This amino acid position is conserved. In addition, this alteration is predicted to be tolerated by in silico analysis. Based on the available evidence, the clinical significance of this variant remains unclear.

NM_004629.2(FANCG):c.1031G>A (p.Ser344Asn)

Gene: FANCG (FA complementation group G; minus strand). Cytogenetic location: 9p13.3.
Variant type: single nucleotide variant.
Coding change: c.1031G>A on transcript NM_004629.2 (MANE Select); coding-DNA position 1031, G replaced by A.
Protein change: p.Ser344Asn; replaces serine 344 with asparagine.
Molecular consequence: missense variant.
Genome position (GRCh38, 1-based): chr9:35,076,477, C>T on the plus strand (G>A on the coding strand, the complement: FANCG is on the minus strand). VCF-style: chr9-35076477-C-T. GRCh37 (hg19) VCF-style: chr9-35076474-C-T.
Other names: short protein forms S344N.
Identifiers: ClinVar variation 3848368 (VCV003848368.1).